The following is an entry in ClinVar:

NM_004714.3(DYRK1B):c.643C>T (p.Arg215Trp)

Gene: DYRK1B (dual specificity tyrosine phosphorylation regulated kinase 1B; minus strand). Cytogenetic location: 19q13.2.
Variant type: single nucleotide variant.
Coding change: c.643C>T on transcript NM_004714.3 (MANE Select); coding-DNA position 643, C replaced by T.
Protein change: p.Arg215Trp; replaces arginine 215 with tryptophan.
Molecular consequence: missense variant.
Genome position (GRCh38, 1-based): chr19:39,828,461, G>A on the plus strand (C>T on the coding strand, the complement: DYRK1B is on the minus strand). VCF-style: chr19-39828461-G-A. GRCh37 (hg19) VCF-style: chr19-40319101-G-A.
Other names: c.643C>T, p.Arg215Trp (NM_006483.3, NM_006484.3); short protein forms R215W.
Identifiers: ClinVar variation 4998602 (VCV004998602.1).
Genomic context (GRCh38, chr19:39,828,461, plus strand): 5'-TGCTGAGCTCAGGCGTGGCCAGAAAGAGCAGTGCCGTGCAGAGCTGCTGCGCCAGCTTCC[G>A]GGTCAGGTTCAGCGAGACGCCGCGGAAGTGGGTGTTGCGCAGGAGGTCGTACAGGTTGTA-3'
Protein context (NP_004705.1, residues 205-225): HFRGVSLNLT[Arg215Trp]KLAQQLCTAL

ClinVar aggregate classification (germline): Uncertain significance (1 of 4 stars; one submission).

Conditions:
DYRK1B-related disorder. Also called: DYRK1B-related condition.

Submission:

PreventionGenetics, part of Exact Sciences
Classification: Uncertain significance for DYRK1B-related condition. Last evaluated: 2024-12-02. Review status: criteria provided, single submitter. Criteria: ACMG Guidelines, 2015. Collection method: clinical testing. Allele origin: germline.
Comment: The DYRK1B c.643C>T variant is predicted to result in the amino acid substitution p.Arg215Trp. To our knowledge, this variant has not been reported in the literature. This variant is reported in 0.00089% of alleles in individuals of European (Non-Finnish) descent in gnomAD. At this time, the clinical significance of this variant is uncertain due to the absence of conclusive functional and genetic evidence.